The following is an entry in ClinVar:

NM_024592.5(SRD5A3):c.*321C>T

Genes: SRD5A3-AS1 (SRD5A3 antisense RNA 1; minus strand), SRD5A3 (steroid 5 alpha-reductase 3; plus strand). Cytogenetic location: 4q12.
Variant type: single nucleotide variant.
Coding change: c.*321C>T on transcript NM_024592.5 (MANE Select); 321 bases downstream of the stop codon, C replaced by T.
Molecular consequence: 3 prime UTR variant.
Genome position (GRCh38, 1-based): chr4:55,370,412, C>T. VCF-style: chr4-55370412-C-T. GRCh37 (hg19) VCF-style: chr4-56236579-C-T.
Identifiers: ClinVar variation 349014 (VCV000349014.9), dbSNP rs13149568, ClinGen allele CA10621255.

ClinVar aggregate classification (germline): Benign. Review status: criteria provided, multiple submitters, no conflicts (2 of 4 stars). 3 submissions from 3 submitters: Benign (3). Last evaluated 2018-06-14.

Conditions:
SRD5A3-congenital disorder of glycosylation. Also called: CDG Iq; COLOBOMA, OCULAR, WITH ICHTHYOSIS, BRAIN MALFORMATIONS, AND ENDOCRINE ABNORMALITIES; Ocular colobomas, ichthyosis, brain malformations and endocrine abnormalities; Congenital disorder of glycosylation type 1Q; SRD5A3-CDG. Identifiers: Orphanet 324737, MedGen C4317224, MONDO:0012885, OMIM 612379.

Allele frequency attached by ClinVar (database versions not stated): TOPMed 0.32732; gnomAD 0.35130 and 0.36122; 1000 Genomes Project 0.35923; 1000 Genomes Project 30x 0.36056.
gnomAD v4.1: 125,503 of 335,576 alleles (37%); highest among the groups gnomAD compares: East Asian, 58%; 23,883 homozygotes.

Submissions (3):

GeneDx
Classification: Benign. Last evaluated: 2018-06-14. Review status: criteria provided, single submitter. Criteria: GeneDx Variant Classification Process June 2021. Collection method: clinical testing. Allele origin: germline. Affected: yes.

Illumina Laboratory Services, Illumina
Classification: Benign for SRD5A3-congenital disorder of glycosylation. Last evaluated: 2018-01-13. Review status: criteria provided, single submitter. Criteria: ICSL Variant Classification Criteria 13 December 2019. Collection method: clinical testing. Allele origin: germline.
Comment: This variant was observed in the ICSL laboratory as part of a predisposition screen in an ostensibly healthy population. It had not been previously curated by ICSL or reported in the Human Gene Mutation Database (HGMD: prior to June 1st, 2018), and was therefore a candidate for classification through an automated scoring system. Utilizing variant allele frequency, disease prevalence and penetrance estimates, and inheritance mode, an automated score was calculated to assess if this variant is too frequent to cause the disease. Based on the score and internal cut-off values, a variant classified as benign is not then subjected to further curation. The score for this variant resulted in a classification of benign for this disease.

Breakthrough Genomics
Classification: Benign. Review status: criteria provided, single submitter. Criteria: ACMG Guidelines, 2015. Collection method: not provided. Allele origin: germline. Inheritance: Autosomal recessive inheritance. Affected: yes.